The following is an entry in ClinVar:

ClinVar aggregate classification (germline): Pathogenic (1 of 4 stars; one submission).

Submission:

Labcorp Genetics (formerly Invitae), Labcorp
Classification: Pathogenic. Last evaluated: 2025-02-04. Review status: criteria provided, single submitter. Criteria: Invitae Variant Classification Sherloc (09022015). Collection method: clinical testing. Allele origin: germline.
Comment: This sequence change creates a premature translational stop signal (p.Leu1858*) in the EYS gene. It is expected to result in an absent or disrupted protein product. Loss-of-function variants in EYS are known to be pathogenic (PMID: 18836446, 20333770). Information on the frequency of this variant in the gnomAD database is not available, as this variant may be reported differently in the database. This premature translational stop signal has been observed in individual(s) with retinitis pigmentosa (PMID: 36140798). For these reasons, this variant has been classified as Pathogenic.

Literature cited by the submitters: PubMed 18836446; PubMed 20333770; PubMed 36140798.

NM_001142800.2(EYS):c.5571_5576delinsCTAGAT (p.Leu1858_Pro1859delinsTer)

Gene: EYS (EGF-like photoreceptor maintenance factor; minus strand). Cytogenetic location: 6q12.
Variant type: Indel.
Coding change: c.5571_5576delinsCTAGAT on transcript NM_001142800.2 (MANE Select); coding-DNA positions 5571 to 5576, TCTTCC replaced by CTAGAT.
Protein change: p.Leu1858_Pro1859delinsTer.
Molecular consequence: nonsense.
Genome position (GRCh38, 1-based): chr6:64,590,291-64,590,296, GGAAGA replaced by ATCTAG on the plus strand (TCTTCC replaced by CTAGAT on the coding strand, the reverse complement: EYS is on the minus strand). VCF-style: chr6-64590291-GGAAGA-ATCTAG. GRCh37 (hg19) VCF-style: chr6-65300184-GGAAGA-ATCTAG.
Other names: c.5571_5576delinsCTAGAT, p.Leu1858_Pro1859delinsTer (NM_001292009.2).
Identifiers: ClinVar variation 4712008 (VCV004712008.1).